The following is an entry in ClinVar:

NM_001220.5(CAMK2B):c.1420C>A (p.Pro474Thr)

Gene: CAMK2B (calcium/calmodulin dependent protein kinase II beta; minus strand). Cytogenetic location: 7p13.
Variant type: single nucleotide variant.
Coding change: c.1420C>A on transcript NM_001220.5 (MANE Select); coding-DNA position 1420, C replaced by A.
Protein change: p.Pro474Thr; replaces proline 474 with threonine.
Molecular consequence: missense variant. On other transcripts: intron variant (8).
Genome position (GRCh38, 1-based): chr7:44,228,844, G>T on the plus strand (C>A on the coding strand, the complement: CAMK2B is on the minus strand). VCF-style: chr7-44228844-G-T. GRCh37 (hg19) VCF-style: chr7-44268443-G-T.
Other names: c.947-7943C>A (NM_172084.3); c.1150+2162C>A (NM_172080.3); c.1036+2162C>A (NM_172083.3); c.1108+2162C>A (NM_172081.3); c.1153+2162C>A (NM_172079.3, NM_172082.3); c.1225+2162C>A (NM_001293170.2, NM_172078.3); short protein forms P474T.
Identifiers: ClinVar variation 2981082 (VCV002981082.3), dbSNP rs772443083, ClinGen allele CA367373044.
Genomic context (GRCh38, chr7:44,228,844, plus strand): 5'-GCCACTACTTACACGGGGAGGACAGGGGGCCTAGGAGAGCCGGAGACAGGCAGGGCGGGG[G>T]CCCCGCTGAGAGGGGGCCCTCGGCTTCTGGGGTTCCTGAACCCCTTCTCACAGAGTTCAG-3'
Protein context (NP_001211.3, residues 464-484): PEAEGPLSAG[Pro474Thr]PPCLSPALLG

ClinVar aggregate classification (germline): Uncertain significance (1 of 4 stars; one submission).

Allele frequency attached by ClinVar (database versions not stated): gnomAD 0.00001; TOPMed below 0.00001.
gnomAD v4.1: 13 of 1,500,894 alleles (0.00087%); highest among the groups gnomAD compares: Non-Finnish European, 0.0012%; no homozygotes.

Submission:

Labcorp Genetics (formerly Invitae), Labcorp
Classification: Uncertain significance. Last evaluated: 2025-02-12. Review status: criteria provided, single submitter. Criteria: Invitae Variant Classification Sherloc (09022015). Collection method: clinical testing. Allele origin: germline.
Comment: This sequence change replaces proline, which is neutral and non-polar, with threonine, which is neutral and polar, at codon 474 of the CAMK2B protein (p.Pro474Thr). This variant is not present in population databases (gnomAD no frequency). This variant has not been reported in the literature in individuals affected with CAMK2B-related conditions. ClinVar contains an entry for this variant (Variation ID: 2981082). An algorithm developed to predict the effect of missense changes on protein structure and function (PolyPhen-2) suggests that this variant is likely to be tolerated. In summary, the available evidence is currently insufficient to determine the role of this variant in disease. Therefore, it has been classified as a Variant of Uncertain Significance.